The following is an entry in ClinVar:

NM_006904.7(PRKDC):c.9190T>G (p.Phe3064Val)

Gene: PRKDC (protein kinase, DNA-activated, catalytic subunit; minus strand). Cytogenetic location: 8q11.21.
Variant type: single nucleotide variant.
Coding change: c.9190T>G on transcript NM_006904.7 (MANE Select); coding-DNA position 9190, T replaced by G.
Protein change: p.Phe3064Val; replaces phenylalanine 3064 with valine.
Molecular consequence: missense variant.
Genome position (GRCh38, 1-based): chr8:47,820,865, A>C on the plus strand (T>G on the coding strand, the complement: PRKDC is on the minus strand). VCF-style: chr8-47820865-A-C. GRCh37 (hg19) VCF-style: chr8-48733426-A-C.
Other names: c.9190T>G, p.Phe3064Val (NM_001081640.2); short protein forms F3064V.
Identifiers: ClinVar variation 2586732 (VCV002586732.2), dbSNP rs2551865367, ClinGen allele CA371139694.
Genomic context (GRCh38, chr8:47,820,865, plus strand): 5'-GACTGTAATGAAGCTCTAGAATCGCCTTCTGGAGCTCCCCGTGCATAGCTTTGTCAATAA[A>C]TGTCAGCAGGGACTGGTCAGCCTCTCCCTGGAGCAGCAGCTTCAGCTTGCTGCGGATCAT-3'
Protein context (NP_008835.5, residues 3054-3074): QGEADQSLLT[Phe3064Val]IDKAMHGELQ

ClinVar aggregate classification (germline): Uncertain significance (1 of 4 stars; one submission).

Submission:

Ambry Genetics
Classification: Uncertain significance. Last evaluated: 2023-07-24. Review status: criteria provided, single submitter. Criteria: Ambry Variant Classification Scheme 2023. Collection method: clinical testing. Allele origin: germline.
Comment: The p.F3064V variant (also known as c.9190T>G), located in coding exon 66 of the PRKDC gene, results from a T to G substitution at nucleotide position 9190. The phenylalanine at codon 3064 is replaced by valine, an amino acid with highly similar properties. This amino acid position is conserved. In addition, this alteration is predicted to be deleterious by in silico analysis. Since supporting evidence is limited at this time, the clinical significance of this alteration remains unclear.